The following is an entry in ClinVar:

NM_001370259.2(MEN1):c.1595G>T (p.Gly532Val)

Gene: MEN1 (menin 1; minus strand). Cytogenetic location: 11q13.1.
Variant type: single nucleotide variant.
Coding change: c.1595G>T on transcript NM_001370259.2 (MANE Select); coding-DNA position 1595, G replaced by T.
Protein change: p.Gly532Val; replaces glycine 532 with valine.
Molecular consequence: missense variant. On other transcripts: non-coding transcript variant (4).
Genome position (GRCh38, 1-based): chr11:64,804,572, C>A on the plus strand (G>T on the coding strand, the complement: MEN1 is on the minus strand). VCF-style: chr11-64804572-C-A. GRCh37 (hg19) VCF-style: chr11-64572044-C-A.
Other names: c.1610G>T, p.Gly537Val (NM_000244.4, NM_130800.3, NM_130801.3 and 4 more transcripts); c.1721G>T, p.Gly574Val (NM_001370251.2, NM_001407142.1, NM_001407143.1 and 1 more transcripts); c.1595G>T, p.Gly532Val (NM_001370260.2, NM_001370261.2, NM_130799.3 and 2 more transcripts); c.1490G>T, p.Gly497Val (NM_001370262.2, NM_001370263.2, NM_001407148.1 and 1 more transcripts); c.1736G>T, p.Gly579Val (NM_001407150.1); c.1616G>T, p.Gly539Val (NM_001407151.1); c.1430G>T, p.Gly477Val (NM_001407152.1); short protein forms G537V, G574V, G477V, G532V, G539V, G579V, G497V.
Identifiers: ClinVar variation 4106567 (VCV004106567.2).

ClinVar aggregate classification (germline): Uncertain significance. Review status: criteria provided, multiple submitters, no conflicts (2 of 4 stars). 2 submissions from 2 submitters: Uncertain significance (2). Last evaluated 2025-07-14.

Conditions:
Multiple endocrine neoplasia, type 1 (MEN1). Also called: Endocrine adenomatosis multiple; MEN 1; MEA I; MEN I; WERMER SYNDROME. Identifiers: Orphanet 652, MedGen C0025267, MeSH D018761, MONDO:0007540, OMIM 131100.
Hereditary cancer-predisposing syndrome. Also called: Hereditary neoplastic syndrome; Neoplastic Syndromes, Hereditary; Hereditary Cancer Syndrome; Tumor predisposition. Identifiers: Orphanet 140162, MedGen C0027672, MeSH D009386, MONDO:0015356.

Submissions (2):

Ambry Genetics
Classification: Uncertain significance for Hereditary cancer-predisposing syndrome. Last evaluated: 2025-07-14. Review status: criteria provided, single submitter. Criteria: Ambry Variant Classification Scheme 2023. Collection method: clinical testing. Allele origin: germline.
Comment: The p.G532V variant (also known as c.1595G>T), located in coding exon 9 of the MEN1 gene, results from a G to T substitution at nucleotide position 1595. The glycine at codon 532 is replaced by valine, an amino acid with dissimilar properties. This amino acid position is conserved. In addition, the in silico prediction for this alteration is inconclusive. Based on the available evidence, the clinical significance of this variant remains unclear.

Labcorp Genetics (formerly Invitae), Labcorp
Classification: Uncertain significance for Multiple endocrine neoplasia, type 1. Last evaluated: 2025-06-22. Review status: criteria provided, single submitter. Criteria: Invitae Variant Classification Sherloc (09022015). Collection method: clinical testing. Allele origin: germline.
Comment: This sequence change replaces glycine, which is neutral and non-polar, with valine, which is neutral and non-polar, at codon 532 of the MEN1 protein (p.Gly532Val). This variant is not present in population databases (gnomAD no frequency). This variant has not been reported in the literature in individuals affected with MEN1-related conditions. Invitae Evidence Modeling of protein sequence and biophysical properties (such as structural, functional, and spatial information, amino acid conservation, physicochemical variation, residue mobility, and thermodynamic stability) indicates that this missense variant is not expected to disrupt MEN1 protein function with a negative predictive value of 80%. In summary, the available evidence is currently insufficient to determine the role of this variant in disease. Therefore, it has been classified as a Variant of Uncertain Significance.